The following is an entry in ClinVar:

ClinVar aggregate classification (germline): Uncertain significance (1 of 4 stars; one submission).

Allele frequency attached by ClinVar (database versions not stated): gnomAD exomes 0.00001; ExAC 0.00002; TOPMed 0.00006; gnomAD 0.00007; ESP Exome Variant Server 0.00008.
gnomAD v4.1: 29 of 1,613,842 alleles (0.0018%); highest among the groups gnomAD compares: African/African-American, 0.012%; no homozygotes.

Submission:

Labcorp Genetics (formerly Invitae), Labcorp
Classification: Uncertain significance. Last evaluated: 2026-01-24. Review status: criteria provided, single submitter. Criteria: Invitae Variant Classification Sherloc (09022015). Collection method: clinical testing. Allele origin: germline.
Comment: This sequence change replaces arginine, which is basic and polar, with tryptophan, which is neutral and slightly polar, at codon 324 of the MICAL1 protein (p.Arg324Trp). This variant is present in population databases (rs372323289, gnomAD 0.02%). This variant has not been reported in the literature in individuals affected with MICAL1-related conditions. ClinVar contains an entry for this variant (Variation ID: 2053893). An algorithm developed to predict the effect of missense changes on protein structure and function (PolyPhen-2) suggests that this variant is likely to be disruptive. In summary, the available evidence is currently insufficient to determine the role of this variant in disease. Therefore, it has been classified as a Variant of Uncertain Significance.

NM_022765.4(MICAL1):c.913C>T (p.Arg305Trp)

Gene: MICAL1 (microtubule associated monooxygenase, calponin and LIM domain containing 1; minus strand). Cytogenetic location: 6q21.
Variant type: single nucleotide variant.
Coding change: c.913C>T on transcript NM_022765.4 (MANE Select); coding-DNA position 913, C replaced by T.
Protein change: p.Arg305Trp; replaces arginine 305 with tryptophan.
Molecular consequence: missense variant.
Genome position (GRCh38, 1-based): chr6:109,451,620, G>A on the plus strand (C>T on the coding strand, the complement: MICAL1 is on the minus strand). VCF-style: chr6-109451620-G-A. GRCh37 (hg19) VCF-style: chr6-109772823-G-A.
Other names: c.913C>T, p.Arg305Trp (NM_001159291.2); c.970C>T, p.Arg324Trp (NM_001286613.2); short protein forms R324W, R305W.
Identifiers: ClinVar variation 2053893 (VCV002053893.4), dbSNP rs372323289, ClinGen allele CA3953566.